The following is an entry in ClinVar:

NM_000161.3(GCH1):c.452A>G (p.Lys151Arg)

Gene: GCH1 (GTP cyclohydrolase 1; minus strand). Cytogenetic location: 14q22.2.
Variant type: single nucleotide variant.
Coding change: c.452A>G on transcript NM_000161.3 (MANE Select); coding-DNA position 452, A replaced by G.
Protein change: p.Lys151Arg; replaces lysine 151 with arginine.
Molecular consequence: missense variant.
Genome position (GRCh38, 1-based): chr14:54,865,328, T>C on the plus strand (A>G on the coding strand, the complement: GCH1 is on the minus strand). VCF-style: chr14-54865328-T-C. GRCh37 (hg19) VCF-style: chr14-55332046-T-C.
Other names: c.452A>G, p.Lys151Arg (NM_001024024.2, NM_001024070.2, NM_001024071.2); short protein forms K151R.
Identifiers: ClinVar variation 1498088 (VCV001498088.6), dbSNP rs2140073994, ClinGen allele CA389789908.

ClinVar aggregate classification (germline): Uncertain significance (1 of 4 stars; one submission).

Conditions:
Dystonia 5 (DRD). Also called: GTP Cyclohydrolase 1-Deficient Dopa-Responsive Dystonia; Dystonia, DOPA-responsive, with or without hyperphenylalaninemia; DYSTONIA, PROGRESSIVE, WITH DIURNAL VARIATION; DYSTONIA-PARKINSONISM WITH DIURNAL FLUCTUATION; DYT-GCH1. Identifiers: Orphanet 98808, MedGen C1851920, MONDO:0007495, OMIM 128230.
GTP cyclohydrolase I deficiency. Identifiers: MedGen C0268467, MONDO:0100184.

Submission:

Labcorp Genetics (formerly Invitae), Labcorp
Classification: Uncertain significance for GTP cyclohydrolase I deficiency; Dystonia 5. Last evaluated: 2021-10-31. Review status: criteria provided, single submitter. Criteria: Invitae Variant Classification Sherloc (09022015). Collection method: clinical testing. Allele origin: germline.
Comment: This variant has not been reported in the literature in individuals affected with GCH1-related conditions. This sequence change replaces lysine, which is basic and polar, with arginine, which is basic and polar, at codon 151 of the GCH1 protein (p.Lys151Arg). This variant is not present in population databases (gnomAD no frequency). Algorithms developed to predict the effect of missense changes on protein structure and function output the following: SIFT: "Tolerated"; PolyPhen-2: "Benign"; Align-GVGD: "Class C0". The arginine amino acid residue is found in multiple mammalian species, which suggests that this missense change does not adversely affect protein function. Algorithms developed to predict the effect of sequence changes on RNA splicing suggest that this variant may create or strengthen a splice site. In summary, the available evidence is currently insufficient to determine the role of this variant in disease. Therefore, it has been classified as a Variant of Uncertain Significance.